The following is an entry in ClinVar:

NM_004447.6(EPS8):c.2413A>T (p.Ser805Cys)

Gene: EPS8 (EGFR pathway substrate 8, signaling adaptor; minus strand). Cytogenetic location: 12p12.3.
Variant type: single nucleotide variant.
Coding change: c.2413A>T on transcript NM_004447.6 (MANE Select); coding-DNA position 2413, A replaced by T.
Protein change: p.Ser805Cys; replaces serine 805 with cysteine.
Molecular consequence: missense variant. On other transcripts: non-coding transcript variant (3).
Genome position (GRCh38, 1-based): chr12:15,621,373, T>A on the plus strand (A>T on the coding strand, the complement: EPS8 is on the minus strand). VCF-style: chr12-15621373-T-A. GRCh37 (hg19) VCF-style: chr12-15774307-T-A.
Other names: c.2449A>T, p.Ser817Cys (NM_001413831.1); c.2413A>T, p.Ser805Cys (NM_001413832.1, NM_001413833.1, NM_001413834.1); c.2173A>T, p.Ser725Cys (NM_001413835.1, NM_001413836.1); c.1996A>T, p.Ser666Cys (NM_001413837.1); c.1633A>T, p.Ser545Cys (NM_001413838.1); short protein forms S545C, S666C, S725C, S805C, S817C.
Identifiers: ClinVar variation 3573741 (VCV003573741.1).

ClinVar aggregate classification (germline): Uncertain significance (1 of 4 stars; one submission).

gnomAD v4.1: 1 of 1,605,182 alleles (0.000062%); highest among the groups gnomAD compares: Admixed American, 0.0017%; no homozygotes.

Submission:

GeneDx
Classification: Uncertain significance. Last evaluated: 2024-07-18. Review status: criteria provided, single submitter. Criteria: GeneDx Variant Classification Process June 2021. Collection method: clinical testing. Allele origin: germline. Affected: yes.
Comment: Not observed at significant frequency in large population cohorts (gnomAD); In silico analysis supports that this missense variant has a deleterious effect on protein structure/function; Has not been previously published as pathogenic or benign to our knowledge